The following is an entry in ClinVar:

NM_001378778.1(MPDZ):c.189T>G (p.Asn63Lys)

Gene: MPDZ (multiple PDZ domain crumbs cell polarity complex component; minus strand). Cytogenetic location: 9p23.
Variant type: single nucleotide variant.
Coding change: c.189T>G on transcript NM_001378778.1 (MANE Select); coding-DNA position 189, T replaced by G.
Protein change: p.Asn63Lys; replaces asparagine 63 with lysine.
Molecular consequence: missense variant.
Genome position (GRCh38, 1-based): chr9:13,224,578, A>C on the plus strand (T>G on the coding strand, the complement: MPDZ is on the minus strand). VCF-style: chr9-13224578-A-C. GRCh37 (hg19) VCF-style: chr9-13224577-A-C.
Other names: c.189T>G, p.Asn63Lys (NM_001261406.2, NM_001261407.2, NM_001330637.2 and 14 more transcripts); c.189T>G (NM_003829.3); short protein forms N63K.
Identifiers: ClinVar variation 1525254 (VCV001525254.8), dbSNP rs369522426, ClinGen allele CA4988189.

ClinVar aggregate classification (germline): Uncertain significance. Review status: criteria provided, multiple submitters, no conflicts (2 of 4 stars). 2 submissions from 2 submitters: Uncertain significance (2). Last evaluated 2024-09-10.

Conditions:
Inborn genetic diseases. Identifiers: MedGen C0950123, MeSH D030342.

Allele frequency attached by ClinVar (database versions not stated): 1000 Genomes Project 30x 0.00031; 1000 Genomes Project 0.00040.
gnomAD v4.1: 65 of 1,605,776 alleles (0.004%); highest among the groups gnomAD compares: African/African-American, 0.08%; no homozygotes.

Submissions (2):

Ambry Genetics
Classification: Uncertain significance for Inborn genetic diseases. Last evaluated: 2024-09-10. Review status: criteria provided, single submitter. Criteria: Ambry Variant Classification Scheme 2023. Collection method: clinical testing. Allele origin: germline.

Labcorp Genetics (formerly Invitae), Labcorp
Classification: Uncertain significance. Last evaluated: 2023-11-28. Review status: criteria provided, single submitter. Criteria: Invitae Variant Classification Sherloc (09022015). Collection method: clinical testing. Allele origin: germline.
Comment: This sequence change replaces asparagine, which is neutral and polar, with lysine, which is basic and polar, at codon 63 of the MPDZ protein (p.Asn63Lys). This variant is present in population databases (rs369522426, gnomAD 0.05%). This variant has not been reported in the literature in individuals affected with MPDZ-related conditions. ClinVar contains an entry for this variant (Variation ID: 1525254). An algorithm developed to predict the effect of missense changes on protein structure and function (PolyPhen-2) suggests that this variant¬†is likely to be tolerated. In summary, the available evidence is currently insufficient to determine the role of this variant in disease. Therefore, it has been classified as a Variant of Uncertain Significance.